The following is an entry in ClinVar:

NM_000551.4(VHL):c.-49C>G

Gene: VHL (von Hippel-Lindau tumor suppressor; plus strand). Cytogenetic location: 3p25.3.
Variant type: single nucleotide variant.
Coding change: c.-49C>G on transcript NM_000551.4 (MANE Select); 49 bases upstream of the start codon, C replaced by G.
Molecular consequence: 5 prime UTR variant. On other transcripts: non-coding transcript variant (1).
Genome position (GRCh38, 1-based): chr3:10,141,799, C>G. VCF-style: chr3-10141799-C-G. GRCh37 (hg19) VCF-style: chr3-10183483-C-G.
Other names: c.-49C>G (NM_001354723.2, NM_198156.3).
Identifiers: ClinVar variation 3758930 (VCV003758930.2).
Genomic context (GRCh38, chr3:10,141,799, plus strand): 5'-GCGCGCGAAGACTACGGAGGTCGACTCGGGAGCGCGCACGCAGCTCCGCCCCGCGTCCGA[C>G]CCGCGGATCCCGCGGCGTCCGGCCCGGGTGGTCTGGATCGCGGAGGGAATGCCCCGGAGG-3'

ClinVar aggregate classification (germline): Uncertain significance (1 of 4 stars; one submission).

Conditions:
Chuvash polycythemia. Also called: POLYCYTHEMIA, VHL-DEPENDENT. Identifiers: Orphanet 238557, MedGen C1837915, MONDO:0009892, OMIM 263400.
Von Hippel-Lindau syndrome (VHLS). Also called: von Hippel–Lindau syndrome; VHL syndrome; Von Hippel-Lindau. Identifiers: Orphanet 892, MedGen C0019562, MONDO:0008667, OMIM 193300. Disease mechanism: loss of function.

Submission:

Labcorp Genetics (formerly Invitae), Labcorp
Classification: Uncertain significance for Von Hippel-Lindau syndrome; Chuvash polycythemia. Last evaluated: 2025-07-24. Review status: criteria provided, single submitter. Criteria: Invitae Variant Classification Sherloc (09022015). Collection method: clinical testing. Allele origin: germline.
Comment: This variant occurs in a non-coding region of the VHL gene. It does not change the encoded amino acid sequence of the VHL protein. This variant is not present in population databases (gnomAD no frequency). This variant has not been reported in the literature in individuals affected with VHL-related conditions. ClinVar contains an entry for this variant (Variation ID: 3758930). In summary, the available evidence is currently insufficient to determine the role of this variant in disease. Therefore, it has been classified as a Variant of Uncertain Significance.